The following is an entry in ClinVar:

ClinVar aggregate classification (germline): Uncertain significance. Review status: criteria provided, multiple submitters, no conflicts (2 of 4 stars). 2 submissions from 2 submitters: Uncertain significance (2). Last evaluated 2022-08-16.

Conditions:
Emery-Dreifuss muscular dystrophy 4, autosomal dominant (EDMD4). Also called: EMERY-DREIFUSS MUSCULAR DYSTROPHY 4 WITH VARIABLE FEATURES. Identifiers: Orphanet 261, MedGen C2751807, MONDO:0013071, OMIM 612998.
Autosomal recessive ataxia, Beauce type. Also called: Spinocerebellar ataxia, autosomal recessive 8; ATAXIA, RECESSIVE, OF BEAUCE; SYNE1 Deficiency; SYNE1-Related Autosomal Recessive Cerebellar Ataxia. Identifiers: Orphanet 88644, MedGen C1853116, MONDO:0012549, OMIM 610743.

Allele frequency attached by ClinVar (database versions not stated): gnomAD 0.00001.
gnomAD v4.1: 21 of 1,614,020 alleles (0.0013%); highest among the groups gnomAD compares: East Asian, 0.0022%; no homozygotes.

Submissions (2):

Labcorp Genetics (formerly Invitae), Labcorp
Classification: Uncertain significance for Emery-Dreifuss muscular dystrophy 4, autosomal dominant; Autosomal recessive ataxia, Beauce type. Last evaluated: 2022-08-16. Review status: criteria provided, single submitter. Criteria: Invitae Variant Classification Sherloc (09022015). Collection method: clinical testing. Allele origin: germline.
Comment: Algorithms developed to predict the effect of missense changes on protein structure and function output the following: SIFT: "Deleterious"; PolyPhen-2: "Benign"; Align-GVGD: "Class C0". The valine amino acid residue is found in multiple mammalian species, which suggests that this missense change does not adversely affect protein function. ClinVar contains an entry for this variant (Variation ID: 1404859). This variant has not been reported in the literature in individuals affected with SYNE1-related conditions. This variant is present in population databases (no rsID available, gnomAD 0.006%). This sequence change replaces alanine, which is neutral and non-polar, with valine, which is neutral and non-polar, at codon 5967 of the SYNE1 protein (p.Ala5967Val). In summary, the available evidence is currently insufficient to determine the role of this variant in disease. Therefore, it has been classified as a Variant of Uncertain Significance.

Blueprint Genetics
Classification: Uncertain significance. Last evaluated: 2019-06-10. Review status: criteria provided, single submitter. Criteria: ACMG Guidelines, 2015. Collection method: clinical testing. Allele origin: germline.

NM_182961.4(SYNE1):c.18113C>T (p.Ala6038Val)

Gene: SYNE1 (spectrin repeat containing nuclear envelope protein 1; minus strand). Cytogenetic location: 6q25.2.
Variant type: single nucleotide variant.
Coding change: c.18113C>T on transcript NM_182961.4 (MANE Select); coding-DNA position 18113, C replaced by T.
Protein change: p.Ala6038Val; replaces alanine 6038 with valine.
Molecular consequence: missense variant.
Genome position (GRCh38, 1-based): chr6:152,284,072, G>A on the plus strand (C>T on the coding strand, the complement: SYNE1 is on the minus strand). VCF-style: chr6-152284072-G-A. GRCh37 (hg19) VCF-style: chr6-152605207-G-A.
Other names: c.17900C>T, p.Ala5967Val (NM_033071.5); short protein forms A6038V, A5967V.
Identifiers: ClinVar variation 1404859 (VCV001404859.7), dbSNP rs752183118, ClinGen allele CA366097351.